The following is an entry in ClinVar:

NM_000436.4(OXCT1):c.326A>C (p.Lys109Thr)

Gene: OXCT1 (3-oxoacid CoA-transferase 1; minus strand). Cytogenetic location: 5p13.1.
Variant type: single nucleotide variant.
Coding change: c.326A>C on transcript NM_000436.4 (MANE Select); coding-DNA position 326, A replaced by C.
Protein change: p.Lys109Thr; replaces lysine 109 with threonine.
Molecular consequence: missense variant. On other transcripts: non-coding transcript variant (1).
Genome position (GRCh38, 1-based): chr5:41,853,507, T>G on the plus strand (A>C on the coding strand, the complement: OXCT1 is on the minus strand). VCF-style: chr5-41853507-T-G. GRCh37 (hg19) VCF-style: chr5-41853609-T-G.
Other names: c.326A>C, p.Lys109Thr (NM_001364299.2, NM_001364301.2, NM_001364302.2); c.347A>C, p.Lys116Thr (NM_001364300.2); short protein forms K116T, K109T.
Identifiers: ClinVar variation 1508972 (VCV001508972.6), dbSNP rs2112450033, ClinGen allele CA359629448.

ClinVar aggregate classification (germline): Uncertain significance (1 of 4 stars; one submission).

Conditions:
Succinyl-CoA acetoacetate transferase deficiency (SCOTD). Also called: 3-Oxoacid CoA Transferase Deficiency; SCOT DEFICIENCY; SUCCINYL-CoA:3-KETOACID CoA-TRANSFERASE DEFICIENCY; Succinyl CoA:3-oxoacid CoA transferase deficiency; KETOACIDOSIS DUE TO SCOT DEFICIENCY. Identifiers: Orphanet 832, MedGen C0342792, MONDO:0009492, OMIM 245050.

Submission:

Labcorp Genetics (formerly Invitae), Labcorp
Classification: Uncertain significance for Succinyl-CoA acetoacetate transferase deficiency. Last evaluated: 2021-09-29. Review status: criteria provided, single submitter. Criteria: Invitae Variant Classification Sherloc (09022015). Collection method: clinical testing. Allele origin: germline.
Comment: In summary, the available evidence is currently insufficient to determine the role of this variant in disease. Therefore, it has been classified as a Variant of Uncertain Significance. Algorithms developed to predict the effect of missense changes on protein structure and function are either unavailable or do not agree on the potential impact of this missense change (SIFT: "Deleterious"; PolyPhen-2: "Benign"; Align-GVGD: "Class C0"). This variant has not been reported in the literature in individuals affected with OXCT1-related conditions. This variant is not present in population databases (ExAC no frequency). This sequence change replaces lysine with threonine at codon 109 of the OXCT1 protein (p.Lys109Thr). The lysine residue is moderately conserved and there is a moderate physicochemical difference between lysine and threonine.